The following is an entry in ClinVar:

NM_020975.6(RET):c.1068G>T (p.Leu356=)

Gene: RET (ret proto-oncogene; plus strand). Cytogenetic location: 10q11.21.
Variant type: single nucleotide variant.
Coding change: c.1068G>T on transcript NM_020975.6 (MANE Select); coding-DNA position 1068, G replaced by T.
Protein change: p.Leu356=; no amino-acid change (leucine 356 retained).
Molecular consequence: synonymous variant. On other transcripts: intron variant (18).
Genome position (GRCh38, 1-based): chr10:43,109,035, G>T. VCF-style: chr10-43109035-G-T. GRCh37 (hg19) VCF-style: chr10-43604483-G-T.
Other names: c.1068G>T, p.Leu356= (NM_000323.2, NM_001406743.1, NM_001406744.1 and 6 more transcripts); c.306G>T, p.Leu102= (NM_001355216.2); c.939G>T, p.Leu313= (NM_001406761.1, NM_001406762.1, NM_001406764.1 and 1 more transcripts); c.780G>T, p.Leu260= (NM_001406766.1, NM_001406767.1, NM_001406770.1); c.630G>T, p.Leu210= (NM_001406771.1, NM_001406773.1); c.342G>T, p.Leu114= (NM_001406775.1, NM_001406776.1, NM_001406777.1 and 1 more transcripts); c.78G>T, p.Leu26= (NM_001406784.1); c.868-2172G>T (NM_001406772.1, NM_001406769.1); and 5 more.
Identifiers: ClinVar variation 2418758 (VCV002418758.9), dbSNP rs2538423032, ClinGen allele CA469025263.

ClinVar aggregate classification (germline): Likely benign. Review status: criteria provided, multiple submitters, no conflicts (2 of 4 stars). 3 submissions from 3 submitters: Likely benign (3). Last evaluated 2026-05-20.

Conditions:
Multiple endocrine neoplasia, type 2 (MEN2). Identifiers: Orphanet 653, MedGen C4048306, MONDO:0019003. Disease mechanism: gain of function.
Hereditary cancer-predisposing syndrome. Also called: Tumor predisposition; Hereditary Cancer Syndrome; Hereditary neoplastic syndrome; Neoplastic Syndromes, Hereditary. Identifiers: Orphanet 140162, MedGen C0027672, MeSH D009386, MONDO:0015356.

Allele frequency attached by ClinVar (database versions not stated): gnomAD exomes below 0.00001.
gnomAD v4.1: 4 of 1,612,740 alleles (0.00025%); highest among the groups gnomAD compares: Middle Eastern, 0.016%; no homozygotes.

Submissions (3):

Ambry Genetics
Classification: Likely benign for Hereditary cancer-predisposing syndrome. Last evaluated: 2026-05-20. Review status: criteria provided, single submitter. Criteria: Ambry Variant Classification Scheme 2023. Collection method: clinical testing. Allele origin: germline.

Labcorp Genetics (formerly Invitae), Labcorp
Classification: Likely benign for Multiple endocrine neoplasia, type 2. Last evaluated: 2024-11-07. Review status: criteria provided, single submitter. Criteria: Invitae Variant Classification Sherloc (09022015). Collection method: clinical testing. Allele origin: germline.

All of Us Research Program, National Institutes of Health
Classification: Likely benign for Multiple endocrine neoplasia, type 2. Last evaluated: 2023-10-02. Review status: criteria provided, single submitter. Criteria: ACMG Guidelines, 2015. Collection method: clinical testing. Allele origin: germline. Inheritance: Autosomal dominant inheritance. Observed: 1 variant allele, 1 heterozygote.
Comment: This study involves interpretation of variants in research participants for the purpose of population health screening. Participant phenotype was not available at the time of variant classification. Additional details can be found in publication PMID: 35346344, PMCID: PMC8962531